The following is an entry in ClinVar:

ClinVar aggregate classification (germline): Pathogenic (1 of 4 stars; one submission).

Conditions:
Hereditary cancer-predisposing syndrome. Also called: Hereditary Cancer Syndrome; Hereditary neoplastic syndrome; Tumor predisposition; Neoplastic Syndromes, Hereditary. Identifiers: Orphanet 140162, MedGen C0027672, MeSH D009386, MONDO:0015356.
Cardiovascular phenotype. Identifiers: MedGen CN230736.

Submission:

Ambry Genetics
Classification: Pathogenic for Cardiovascular phenotype; Hereditary cancer-predisposing syndrome. Last evaluated: 2024-07-11. Review status: criteria provided, single submitter. Criteria: Ambry Variant Classification Scheme 2023. Collection method: clinical testing. Allele origin: germline.
Comment: The c.1575dupG pathogenic mutation, located in coding exon 14 of the LZTR1 gene, results from a duplication of G at nucleotide position 1575, causing a translational frameshift with a predicted alternate stop codon (p.Q526Afs*143). This alteration is expected to result in loss of function by premature protein truncation or nonsense-mediated mRNA decay. Loss-of-function variants in LZTR1 are related to an increased risk for schwannomas and autosomal recessive Noonan syndrome; however, such associations with autosomal dominant Noonan syndrome have not been observed (Piotrowski A et al. Nat Genet. 2014 Feb;46:182-7; Yamamoto GL et al. J Med Genet. 2015 Jun;52:413-21; Johnston JJ et al. Genet Med. 2018 10;20:1175-1185). Based on the supporting evidence, this variant is pathogenic for an increased risk of LZTR1-related schwannomatosis (SWN) and would be expected to cause autosomal recessive Noonan syndrome when present along with a second pathogenic or likely pathogenic variant on the other allele; however, the association of this alteration with autosomal dominant Noonan syndrome is unlikely.

NM_006767.4(LZTR1):c.1575dup (p.Gln526fs)

Gene: LZTR1 (leucine zipper like post translational regulator 1; plus strand). Cytogenetic location: 22q11.21.
Variant type: Duplication.
Coding change: c.1575dup on transcript NM_006767.4 (MANE Select); coding-DNA position 1575, one base duplicated (G; older notation c.1575dupG).
Protein change: p.Gln526fs; shifts the reading frame from glutamine 526.
Molecular consequence: frameshift variant.
Genome position (GRCh38, 1-based): chr22:20,994,229, G duplicated. VCF-style (leftmost placement, unchanged base first): chr22-20994228-T-TG. GRCh37 (hg19) VCF-style: chr22-21348517-T-TG.
Other names: short protein forms Q526fs.
Identifiers: ClinVar variation 3541583 (VCV003541583.1).